The following is an entry in ClinVar:

NM_173660.5(DOK7):c.577A>G (p.Ser193Gly)

Genes: DOK7 (docking protein 7; plus strand), LOC126806951 (CDK7 strongly-dependent group 2 enhancer GRCh37_chr4:3486115-3487314; plus strand). Cytogenetic location: 4p16.3.
Variant type: single nucleotide variant.
Coding change: c.577A>G on transcript NM_173660.5 (MANE Select); coding-DNA position 577, A replaced by G.
Protein change: p.Ser193Gly; replaces serine 193 with glycine.
Molecular consequence: missense variant. On other transcripts: 5 prime UTR variant (1).
Genome position (GRCh38, 1-based): chr4:3,485,583, A>G. VCF-style: chr4-3485583-A-G. GRCh37 (hg19) VCF-style: chr4-3487310-A-G.
Other names: p.Ser193Gly; c.566A>G, p.Gln189Arg (NM_001164673.2); c.-354A>G (NM_001256896.2); c.577A>G, p.Ser193Gly (NM_001301071.2); c.145A>G, p.Ser49Gly (NM_001363811.2); short protein forms S193G, Q189R, S49G.
Identifiers: ClinVar variation 418166 (VCV000418166.20), dbSNP rs139133047, ClinGen allele CA2829069.

ClinVar aggregate classification (germline): Uncertain significance. Review status: criteria provided, multiple submitters, no conflicts (2 of 4 stars). 8 submissions from 8 submitters: Uncertain significance (8). Last evaluated 2025-04-01.

Conditions:
Fetal akinesia deformation sequence 1 (FADS1). Also called: Pena-Shokeir syndrome type I; Fetal akinesia sequence. Identifiers: Orphanet 994, MedGen C1276035, MONDO:0100101, OMIM 208150, HP:0001989.
Congenital myasthenic syndrome 10. Also called: Myasthenia, limb-girdle, familial. Identifiers: Orphanet 590, MedGen C1850792, MONDO:0009690, OMIM 254300.
Inborn genetic diseases. Identifiers: MedGen C0950123, MeSH D030342.

Allele frequency attached by ClinVar (database versions not stated): 1000 Genomes Project 30x 0.00016; 1000 Genomes Project 0.00020; gnomAD exomes 0.00028 and 0.00033; TOPMed 0.00032; ExAC 0.00035; gnomAD 0.00037 and 0.00038; ESP Exome Variant Server 0.00077.
gnomAD v4.1: 534 of 1,607,594 alleles (0.033%); highest among the groups gnomAD compares: Non-Finnish European, 0.041%; 1 homozygote.

Submissions (8):

Ambry Genetics
Classification: Uncertain significance for Inborn genetic diseases. Last evaluated: 2025-04-01. Review status: criteria provided, single submitter. Criteria: Ambry Variant Classification Scheme 2023. Collection method: clinical testing. Allele origin: germline.

Blueprint Genetics
Classification: Uncertain significance. Last evaluated: 2024-03-08. Review status: criteria provided, single submitter. Criteria: ACMG Guidelines, 2015. Collection method: clinical testing. Allele origin: germline.

Mayo Clinic Laboratories, Mayo Clinic
Classification: Uncertain significance. Last evaluated: 2023-05-10. Review status: criteria provided, single submitter. Criteria: ACMG Guidelines, 2015. Collection method: clinical testing. Allele origin: germline. Observed: 1 variant allele.

Labcorp Genetics (formerly Invitae), Labcorp
Classification: Uncertain significance for Congenital myasthenic syndrome 10; Fetal akinesia deformation sequence 1. Last evaluated: 2022-11-01. Review status: criteria provided, single submitter. Criteria: Invitae Variant Classification Sherloc (09022015). Collection method: clinical testing. Allele origin: germline.
Comment: This sequence change replaces serine, which is neutral and polar, with glycine, which is neutral and non-polar, at codon 193 of the DOK7 protein (p.Ser193Gly). This variant is present in population databases (rs139133047, gnomAD 0.06%). This variant has not been reported in the literature in individuals affected with DOK7-related conditions. ClinVar contains an entry for this variant (Variation ID: 418166). Algorithms developed to predict the effect of missense changes on protein structure and function are either unavailable or do not agree on the potential impact of this missense change (SIFT: "Deleterious"; PolyPhen-2: "Probably Damaging"; Align-GVGD: "Class C0"). In summary, the available evidence is currently insufficient to determine the role of this variant in disease. Therefore, it has been classified as a Variant of Uncertain Significance.

MGZ Medical Genetics Center
Classification: Uncertain significance for Congenital myasthenic syndrome 10. Last evaluated: 2021-10-26. Review status: criteria provided, single submitter. Criteria: ACMG Guidelines, 2015. Collection method: clinical testing. Allele origin: germline. Affected: yes. Observed: 1 variant allele.
Comment: ACMG criteria applied: PM2_SUP, PP3, BP1

Revvity Omics, Revvity
Classification: Uncertain significance. Last evaluated: 2020-04-03. Review status: criteria provided, single submitter. Criteria: ACMG Guidelines, 2015. Collection method: clinical testing. Allele origin: germline.

GeneDx
Classification: Uncertain significance. Last evaluated: 2020-01-03. Review status: criteria provided, single submitter. Criteria: GeneDx Variant Classification Process June 2021. Collection method: clinical testing. Allele origin: germline. Affected: yes.
Comment: In silico analysis, which includes protein predictors and evolutionary conservation, supports a deleterious effect Observed in 0.031% (86/277520 alleles) in large population cohorts (Lek et al., 2016) Has not been previously published as pathogenic or benign to our knowledge

Eurofins Ntd Llc (ga)
Classification: Uncertain significance. Last evaluated: 2018-07-13. Review status: criteria provided, single submitter. Criteria: EGL ClinVar v180209 classification definitions. Collection method: clinical testing. Allele origin: germline. Observed: 1 variant allele, 1 heterozygote.